The following is an entry in ClinVar:

ClinVar aggregate classification (germline): Uncertain significance (1 of 4 stars; one submission).

Allele frequency attached by ClinVar (database versions not stated): gnomAD 0.00001; TOPMed 0.00001; ExAC 0.00002; gnomAD exomes 0.00002.

Submission:

Labcorp Genetics (formerly Invitae), Labcorp
Classification: Uncertain significance. Last evaluated: 2023-02-22. Review status: criteria provided, single submitter. Criteria: Invitae Variant Classification Sherloc (09022015). Collection method: clinical testing. Allele origin: germline.
Comment: In summary, the available evidence is currently insufficient to determine the role of this variant in disease. Therefore, it has been classified as a Variant of Uncertain Significance. An algorithm developed to predict the effect of missense changes on protein structure and function (PolyPhen-2) suggests that this variant is likely to be disruptive. This variant has not been reported in the literature in individuals affected with SON-related conditions. This variant is present in population databases (rs776573176, gnomAD 0.004%). This sequence change replaces threonine, which is neutral and polar, with methionine, which is neutral and non-polar, at codon 532 of the SON protein (p.Thr532Met).

NM_138927.4(SON):c.1595C>T (p.Thr532Met)

Gene: SON (SON DNA and RNA binding protein; plus strand). Cytogenetic location: 21q22.11.
Variant type: single nucleotide variant.
Coding change: c.1595C>T on transcript NM_138927.4 (MANE Select); coding-DNA position 1595, C replaced by T.
Protein change: p.Thr532Met; replaces threonine 532 with methionine.
Molecular consequence: missense variant. On other transcripts: non-coding transcript variant (1), intron variant (1).
Genome position (GRCh38, 1-based): chr21:33,550,826, C>T. VCF-style: chr21-33550826-C-T. GRCh37 (hg19) VCF-style: chr21-34923132-C-T.
Other names: c.1595C>T, p.Thr532Met (NM_001291411.2, NM_001412133.1, NM_032195.3 and 2 more transcripts); c.244+4447C>T (NM_001291412.3); short protein forms T532M.
Identifiers: ClinVar variation 2997788 (VCV002997788.3), dbSNP rs776573176, ClinGen allele CA10008930.
Genomic context (GRCh38, chr21:33,550,826, plus strand): 5'-AGTTGGAGCAGCCTGTGGGGATGACAACGGTGGAACATCCTGGGCATCCTGAGGTGACAA[C>T]GGCAACAGGGTTGCTGGGGCAGCCTGAGGCAACGATGGTGCTGGAGTTGCCAGGACAGCC-3'
Protein context (NP_620305.3, residues 522-542): VEHPGHPEVT[Thr532Met]ATGLLGQPEA